The following is an entry in ClinVar:

NM_006231.4(POLE):c.1050C>G (p.His350Gln)

Gene: POLE (DNA polymerase epsilon, catalytic subunit; minus strand). Cytogenetic location: 12q24.33.
Variant type: single nucleotide variant.
Coding change: c.1050C>G on transcript NM_006231.4 (MANE Select); coding-DNA position 1050, C replaced by G.
Protein change: p.His350Gln; replaces histidine 350 with glutamine.
Molecular consequence: missense variant.
Genome position (GRCh38, 1-based): chr12:132,675,791, G>C on the plus strand (C>G on the coding strand, the complement: POLE is on the minus strand). VCF-style: chr12-132675791-G-C. GRCh37 (hg19) VCF-style: chr12-133252377-G-C.
Other names: short protein forms H350Q.
Identifiers: ClinVar variation 1715647 (VCV001715647.9), dbSNP rs752171701, ClinGen allele CA387361651.

ClinVar aggregate classification (germline): Uncertain significance. Review status: criteria provided, multiple submitters, no conflicts (2 of 4 stars). 2 submissions from 2 submitters: Uncertain significance (2). Last evaluated 2024-10-18.

Conditions:
Hereditary cancer-predisposing syndrome. Also called: Neoplastic Syndromes, Hereditary; Tumor predisposition; Hereditary Cancer Syndrome; Hereditary neoplastic syndrome. Identifiers: Orphanet 140162, MedGen C0027672, MeSH D009386, MONDO:0015356.

Submissions (2):

Ambry Genetics
Classification: Uncertain significance for Hereditary cancer-predisposing syndrome. Last evaluated: 2024-10-18. Review status: criteria provided, single submitter. Criteria: Ambry Variant Classification Scheme 2023. Collection method: clinical testing. Allele origin: germline.
Comment: The p.H350Q variant (also known as c.1050C>G), located in coding exon 11 of the POLE gene, results from a C to G substitution at nucleotide position 1050. The histidine at codon 350 is replaced by glutamine, an amino acid with highly similar properties. This amino acid position is highly conserved in available vertebrate species. In addition, the in silico prediction for this alteration is inconclusive. Based on the available evidence, the clinical significance of this variant remains unclear.

Labcorp Genetics (formerly Invitae), Labcorp
Classification: Uncertain significance. Last evaluated: 2022-08-08. Review status: criteria provided, single submitter. Criteria: Invitae Variant Classification Sherloc (09022015). Collection method: clinical testing. Allele origin: germline.
Comment: In summary, the available evidence is currently insufficient to determine the role of this variant in disease. Therefore, it has been classified as a Variant of Uncertain Significance. Algorithms developed to predict the effect of sequence changes on RNA splicing suggest that this variant may create or strengthen a splice site. Algorithms developed to predict the effect of missense changes on protein structure and function are either unavailable or do not agree on the potential impact of this missense change (SIFT: "Deleterious"; PolyPhen-2: "Possibly Damaging"; Align-GVGD: "Class C0"). This variant has not been reported in the literature in individuals affected with POLE-related conditions. This variant is not present in population databases (gnomAD no frequency). This sequence change replaces histidine, which is basic and polar, with glutamine, which is neutral and polar, at codon 350 of the POLE protein (p.His350Gln).